The following is an entry in ClinVar:

ClinVar aggregate classification (germline): Uncertain significance (1 of 4 stars; one submission).

Conditions:
Progressive microcephaly-seizures-cortical blindness-developmental delay syndrome. Also called: Seizures, cortical blindness, and microcephaly syndrome. Identifiers: Orphanet 477814, MedGen C5567650, MONDO:0014714, OMIM 616632.
Autosomal dominant nonsyndromic hearing loss 1. Also called: KONIGSMARK SYNDROME; DEAFNESS, AUTOSOMAL DOMINANT 1, WITH OR WITHOUT THROMBOCYTOPENIA. Identifiers: Orphanet 90635, MedGen C1852282, MONDO:0007424, OMIM 124900.

gnomAD v4.1: 1 of 1,345,456 alleles (0.000074%); highest among the groups gnomAD compares: South Asian, 0.0013%; no homozygotes.

Submission:

Labcorp Genetics (formerly Invitae), Labcorp
Classification: Uncertain significance for Progressive microcephaly-seizures-cortical blindness-developmental delay syndrome; Autosomal dominant nonsyndromic hearing loss 1. Last evaluated: 2023-04-07. Review status: criteria provided, single submitter. Criteria: Invitae Variant Classification Sherloc (09022015). Collection method: clinical testing. Allele origin: germline.
Comment: This sequence change replaces proline, which is neutral and non-polar, with serine, which is neutral and polar, at codon 690 of the DIAPH1 protein (p.Pro690Ser). The frequency data for this variant in the population databases is considered unreliable, as metrics indicate poor data quality at this position in the gnomAD database. This variant has not been reported in the literature in individuals affected with DIAPH1-related conditions. Experimental studies and prediction algorithms are not available or were not evaluated, and the functional significance of this variant is currently unknown. In summary, the available evidence is currently insufficient to determine the role of this variant in disease. Therefore, it has been classified as a Variant of Uncertain Significance.

NM_005219.5(DIAPH1):c.2068C>T (p.Pro690Ser)

Gene: DIAPH1 (diaphanous related formin 1; minus strand). Cytogenetic location: 5q31.3.
Variant type: single nucleotide variant.
Coding change: c.2068C>T on transcript NM_005219.5 (MANE Select); coding-DNA position 2068, C replaced by T.
Protein change: p.Pro690Ser; replaces proline 690 with serine.
Molecular consequence: missense variant.
Genome position (GRCh38, 1-based): chr5:141,573,782, G>A on the plus strand (C>T on the coding strand, the complement: DIAPH1 is on the minus strand). VCF-style: chr5-141573782-G-A. GRCh37 (hg19) VCF-style: chr5-140953349-G-A.
Other names: c.2041C>T, p.Pro681Ser (NM_001079812.3); c.2068C>T, p.Pro690Ser (NM_001314007.2); short protein forms P681S, P690S.
Identifiers: ClinVar variation 2937056 (VCV002937056.3), dbSNP rs1292892436, ClinGen allele CA361518509.